The following is an entry in ClinVar:

NM_001905.4(CTPS1):c.586C>T (p.Pro196Ser)

Gene: CTPS1 (CTP synthase 1; plus strand). Cytogenetic location: 1p34.2.
Variant type: single nucleotide variant.
Coding change: c.586C>T on transcript NM_001905.4 (MANE Select); coding-DNA position 586, C replaced by T.
Protein change: p.Pro196Ser; replaces proline 196 with serine.
Molecular consequence: missense variant. On other transcripts: non-coding transcript variant (1).
Genome position (GRCh38, 1-based): chr1:40,991,195, C>T. VCF-style: chr1-40991195-C-T. GRCh37 (hg19) VCF-style: chr1-41456867-C-T.
Other names: c.118C>T, p.Pro40Ser (NM_001301237.2); short protein forms P196S, P40S.
Identifiers: ClinVar variation 1005595 (VCV001005595.8), dbSNP rs1642600970, ClinGen allele CA339903143.

ClinVar aggregate classification (germline): Uncertain significance (1 of 4 stars; one submission).

Conditions:
Combined immunodeficiency due to CTPS1 deficiency. Also called: Immunodeficiency 24; Severe combined immunodeficiency due to CTPS1 deficiency. Identifiers: Orphanet 420573, MedGen C4014617, MONDO:0014391, OMIM 615897.

gnomAD v4.1: 1 of 1,589,564 alleles (0.000063%); highest among the groups gnomAD compares: Non-Finnish European, 0.000085%; no homozygotes.

Submission:

Labcorp Genetics (formerly Invitae), Labcorp
Classification: Uncertain significance for Combined immunodeficiency due to CTPS1 deficiency. Last evaluated: 2020-03-04. Review status: criteria provided, single submitter. Criteria: Invitae Variant Classification Sherloc (09022015). Collection method: clinical testing. Allele origin: germline.
Comment: In summary, the available evidence is currently insufficient to determine the role of this variant in disease. Therefore, it has been classified as a Variant of Uncertain Significance. Algorithms developed to predict the effect of missense changes on protein structure and function are either unavailable or do not agree on the potential impact of this missense change (SIFT: "Tolerated"; PolyPhen-2: "Possibly Damaging"; Align-GVGD: "Class C0"). This variant has not been reported in the literature in individuals with CTPS1-related conditions. This variant is not present in population databases (ExAC no frequency). This sequence change replaces proline with serine at codon 196 of the CTPS1 protein (p.Pro196Ser). The proline residue is highly conserved and there is a moderate physicochemical difference between proline and serine.